The following is an entry in ClinVar:

NM_178857.6(RP1L1):c.3487G>C (p.Val1163Leu)

Gene: RP1L1 (RP1 like 1). Cytogenetic location: 8p23.1.
Variant type: single nucleotide variant.
Coding change: c.3487G>C on transcript NM_178857.6 (MANE Select); coding-DNA position 3487, G replaced by C.
Protein change: p.Val1163Leu; replaces valine 1163 with leucine.
Molecular consequence: missense variant.
Genome position (GRCh38, 1-based): chr8:10,610,611, C>G on the plus strand (G>C on the coding strand, the complement: RP1L1 is on the minus strand). VCF-style: chr8-10610611-C-G. GRCh37 (hg19) VCF-style: chr8-10468121-C-G.
Other names: short protein forms V1163L.
Identifiers: ClinVar variation 3155829 (VCV003155829.2), dbSNP rs752132792, ClinGen allele CA4624474.
Genomic context (GRCh38, chr8:10,610,611, plus strand): 5'-CTGGCAGAGCCTGGCTCCATGTGAGCTCCCAGAGGCCTGAGTCCAGCTGGTCTTCCCCAA[C>G]GTCACATCCTGGCCACAGGTCCTTCGAGATGCTGAGCAGCTCCTGGTACCGAGGGGAGTC-3'
Protein context (NP_849188.4, residues 1153-1173): ISKDLWPGCD[Val1163Leu]GEDQLDSGLW

ClinVar aggregate classification (germline): Likely benign. Review status: criteria provided, single submitter (1 of 4 stars). 2 submissions from 2 submitters: Likely benign (1). 1 of the submissions does not count toward it. Last evaluated 2022-10-06.

Conditions:
Inborn genetic diseases. Identifiers: MedGen C0950123, MeSH D030342.
RP1L1-related disorder. Also called: RP1L1-related condition.

gnomAD v4.1: 39 of 1,613,488 alleles (0.0024%); highest among the groups gnomAD compares: Admixed American, 0.0033%; no homozygotes.

Submissions (2):

Ambry Genetics
Classification: Likely benign for Inborn genetic diseases. Last evaluated: 2022-10-06. Review status: criteria provided, single submitter. Criteria: Ambry Variant Classification Scheme 2023. Collection method: clinical testing. Allele origin: germline.

PreventionGenetics, part of Exact Sciences
Classification: Uncertain significance for RP1L1-related condition. Last evaluated: 2024-09-06. Review status: no assertion criteria provided. Collection method: clinical testing. Allele origin: germline. Not counted in ClinVar's aggregate classification.
Comment: The RP1L1 c.3487G>C variant is predicted to result in the amino acid substitution p.Val1163Leu. To our knowledge, this variant has not been reported in the literature. This variant is reported in 0.0080% of alleles in individuals of European (Non-Finnish) descent in gnomAD. At this time, the clinical significance of this variant is uncertain due to the absence of conclusive functional and genetic evidence.